The following is an entry in ClinVar:

ClinVar aggregate classification (germline): Conflicting classifications of pathogenicity. Review status: criteria provided, conflicting classifications (1 of 4 stars). 2 submissions from 2 submitters: Uncertain significance (1); Benign (1). Last evaluated 2025-09-24.

Conditions:
DYRK1A-related intellectual disability syndrome (MRD7). Also called: DYRK1A Syndrome; Intellectual developmental disorder, autosomal dominant 7. Identifiers: Orphanet 464306, MedGen C5568143, MONDO:0013578, OMIM 614104.

Allele frequency attached by ClinVar (database versions not stated): ExAC 0.00001; gnomAD 0.00001; TOPMed 0.00002.
gnomAD v4.1: 21 of 1,614,024 alleles (0.0013%); highest among the groups gnomAD compares: Admixed American, 0.0033%; no homozygotes.

Submissions (2):

Labcorp Genetics (formerly Invitae), Labcorp
Classification: Benign for DYRK1A-related intellectual disability syndrome. Last evaluated: 2025-09-24. Review status: criteria provided, single submitter. Criteria: Invitae Variant Classification Sherloc (09022015). Collection method: clinical testing. Allele origin: germline.

Women's Health and Genetics/Laboratory Corporation of America, LabCorp
Classification: Uncertain significance. Last evaluated: 2024-12-18. Review status: criteria provided, single submitter. Criteria: LabCorp Variant Classification Summary - May 2015. Collection method: clinical testing. Allele origin: germline.
Comment: Variant summary: DYRK1A c.1636G>A (p.Val546Met) results in a conservative amino acid change in the encoded protein sequence. Four of five in-silico tools predict a benign effect of the variant on protein function. The variant allele was found at a frequency of 1.2e-05 in 251258 control chromosomes. The available data on variant occurrences in the general population are insufficient to allow any conclusion about variant significance. To our knowledge, no occurrence of c.1636G>A in individuals affected with Mental Retardation, Autosomal Dominant 7 and no experimental evidence demonstrating its impact on protein function have been reported. ClinVar contains an entry for this variant (Variation ID: 861992). Based on the evidence outlined above, the variant was classified as uncertain significance.

NM_001347721.2(DYRK1A):c.1609G>A (p.Val537Met)

Gene: DYRK1A (dual specificity tyrosine phosphorylation regulated kinase 1A; plus strand). Cytogenetic location: 21q22.13.
Variant type: single nucleotide variant.
Coding change: c.1609G>A on transcript NM_001347721.2 (MANE Select); coding-DNA position 1609, G replaced by A.
Protein change: p.Val537Met; replaces valine 537 with methionine.
Molecular consequence: missense variant. On other transcripts: intron variant (1).
Genome position (GRCh38, 1-based): chr21:37,506,188, G>A. VCF-style: chr21-37506188-G-A. GRCh37 (hg19) VCF-style: chr21-38878491-G-A.
Other names: c.1609G>A, p.Val537Met (NM_001347722.2, NM_130436.2); c.1522G>A, p.Val508Met (NM_001347723.2); c.1636G>A, p.Val546Met (NM_001396.5, NM_101395.2); c.1546+599G>A (NM_130438.2); short protein forms V546M, V508M, V537M.
Identifiers: ClinVar variation 861992 (VCV000861992.9), dbSNP rs762519059, ClinGen allele CA10024022.